The following is an entry in ClinVar:

ClinVar aggregate classification (germline): Conflicting classifications of pathogenicity. Review status: criteria provided, conflicting classifications (1 of 4 stars). 4 submissions from 4 submitters: Likely pathogenic (1); Uncertain significance (3). Last evaluated 2024-09-24.

Conditions:
Keratoderma-ichthyosis-deafness syndrome, autosomal recessive (KDIDAR). Identifiers: MedGen C5774200, MONDO:0859278, OMIM 620009.
Cholestasis, progressive familial intrahepatic, 12 (PFIC12). Also called: CHOLESTASIS, ISOLATED LOW-GGT. Identifiers: MedGen C5774311, MONDO:0031040, OMIM 620010.
Arthrogryposis, renal dysfunction, and cholestasis 1 (ARCS1). Identifiers: Orphanet 2697, MedGen C1859722, MONDO:0008822, OMIM 208085.
Inborn genetic diseases. Identifiers: MedGen C0950123, MeSH D030342.

Allele frequency attached by ClinVar (database versions not stated): gnomAD exomes 0.00001; ExAC 0.00002; gnomAD 0.00005 and 0.00007; TOPMed 0.00005; ESP Exome Variant Server 0.00008.
gnomAD v4.1: 15 of 1,614,026 alleles (0.00093%); highest among the groups gnomAD compares: African/African-American, 0.016%; no homozygotes.

Submissions (4):

Women's Health and Genetics/Laboratory Corporation of America, LabCorp
Classification: Uncertain significance. Last evaluated: 2024-09-24. Review status: criteria provided, single submitter. Criteria: LabCorp Variant Classification Summary - May 2015. Collection method: clinical testing. Allele origin: germline.
Comment: Variant summary: VPS33B c.403G>A (p.Asp135Asn) results in a conservative amino acid change of the encoded protein sequence in the last nucleotide position of exon 6 adjacent to the exon 6/intron 6 splice donor site. Four of five in-silico tools predict a benign effect of the variant on protein function. Several computational tools predict a significant impact on normal splicing: Two predict the variant weakens a 5' donor site. One predicts the variant abolishes a 5' splicing donor site. However, these predictions have yet to be confirmed by functional studies. The variant allele was found at a frequency of 8e-06 in 251472 control chromosomes. The available data on variant occurrences in the general population are insufficient to allow any conclusion about variant significance. To our knowledge, no occurrence of c.403G>A in individuals affected with VPS33B-Related Disorders and no experimental evidence demonstrating its impact on protein function have been reported. ClinVar contains an entry for this variant (Variation ID: 594774). Based on the evidence outlined above, the variant was classified as uncertain significance.

Fulgent Genetics
Classification: Uncertain significance for Arthrogryposis, renal dysfunction, and cholestasis 1; Keratoderma-ichthyosis-deafness syndrome, autosomal recessive; Cholestasis, progressive familial intrahepatic, 12. Last evaluated: 2024-02-26. Review status: criteria provided, single submitter. Criteria: ACMG Guidelines, 2015. Collection method: clinical testing. Allele origin: germline.

Ambry Genetics
Classification: Likely pathogenic for Inborn genetic diseases. Last evaluated: 2020-11-25. Review status: criteria provided, single submitter. Criteria: Ambry Variant Classification Scheme 2023. Collection method: clinical testing. Allele origin: germline.
Comment: The c.403G>A (p.D135N) alteration is located in exon 6 (coding exon 6) of the VPS33B gene. This alteration results from a G to A substitution at nucleotide position 403, causing the aspartic acid (D) at amino acid position 135 to be replaced by an asparagine (N). This change occurs in the last base pair of coding exon 6, which makes it likely to have some effect on normal mRNA splicing. Based on data from the Genome Aggregation Database (gnomAD) database, the VPS33B c.403G>A alteration was observed in 0.0014% (4/282,868) of total alleles studied, with a frequency of 0.016% (4/24,964) in the African subpopulation. The c.403G nucleotide is conserved in available vertebrate species. In silico splice site analysis predicts that this alteration will weaken the native splice donor site and may result in the creation or strengthening of a novel splice donor site. Based on the available evidence, this alteration is classified as likely pathogenic.

Eurofins Ntd Llc (ga)
Classification: Uncertain significance. Last evaluated: 2017-10-30. Review status: criteria provided, single submitter. Criteria: EGL Classification Definitions 2015. Collection method: clinical testing. Allele origin: germline. Observed: 1 variant allele, 1 heterozygote.

NM_018668.5(VPS33B):c.403G>A (p.Asp135Asn)

Gene: VPS33B (VPS33B late endosome and lysosome associated; minus strand). Cytogenetic location: 15q26.1.
Variant type: single nucleotide variant.
Coding change: c.403G>A on transcript NM_018668.5 (MANE Select); coding-DNA position 403, G replaced by A.
Protein change: p.Asp135Asn; replaces aspartic acid 135 with asparagine.
Molecular consequence: missense variant.
Genome position (GRCh38, 1-based): chr15:91,009,801, C>T on the plus strand (G>A on the coding strand, the complement: VPS33B is on the minus strand). VCF-style: chr15-91009801-C-T. GRCh37 (hg19) VCF-style: chr15-91553031-C-T.
Other names: c.403G>A (NM_018668.3); c.322G>A, p.Asp108Asn (NM_001289148.1); c.130G>A, p.Asp44Asn (NM_001289149.1); short protein forms D135N, D108N, D44N.
Identifiers: ClinVar variation 594774 (VCV000594774.9), dbSNP rs369726600, ClinGen allele CA7745083.